The following is an entry in ClinVar:

NM_014249.4(NR2E3):c.919_920del (p.Ile307fs)

Gene: NR2E3 (nuclear receptor subfamily 2 group E member 3; plus strand). Cytogenetic location: 15q23.
Variant type: Deletion.
Coding change: c.919_920del on transcript NM_014249.4 (MANE Select); coding-DNA positions 919 to 920, 2 bases deleted (AT; older notation c.919_920delAT).
Protein change: p.Ile307fs; shifts the reading frame from isoleucine 307.
Molecular consequence: frameshift variant.
Genome position (GRCh38, 1-based): chr15:71,813,560-71,813,561, AT deleted; deleting any 2 consecutive bases within chr15:71,813,559-71,813,561 gives the same sequence; the c. name uses the placement nearest the transcript's 3' end. VCF-style (leftmost placement, unchanged base first): chr15-71813558-CTA-C. GRCh37 (hg19) VCF-style: chr15-72105898-CTA-C.
Other names: c.919_920del, p.Ile307fs (NM_016346.4); short protein forms I307fs.
Identifiers: ClinVar variation 4815622 (VCV004815622.1).
Genomic context (GRCh38, chr15:71,813,558, plus strand): 5'-CCGGTGGTGCCCAGGGCCGGCTCACGCTGGCCAGCATGGAGACGCGTGTCCTGCAGGAAA[CTA>C]TCTCTCGGTTCCGGGCATTGGCGGTGGACCCCACGGAGTTTGCCTGCATGAAGGCCTTGG-3'

ClinVar aggregate classification (germline): Pathogenic (1 of 4 stars; one submission).

Conditions:
Enhanced S-cone syndrome (ESCS). Identifiers: Orphanet 53540, MedGen C1849394, MONDO:0100288, MONDO:0009989.

Submission:

Natera, Inc.
Classification: Pathogenic for Enhanced S cone syndrome. Last evaluated: 2024-06-28. Review status: criteria provided, single submitter. Criteria: Natera Variant Classification Schema (03/2026). Collection method: clinical testing. Allele origin: germline.
Comment: The c.919_920del variant in NR2E3 is a frameshift variant predicted to shift the reading frame beginning at codon 307 and leads to a stop codon 33 codons downstream. This variant is expected to result in nonsense mediated decay, truncation, or a dysfunctional protein product. This variant is rare in the general population with a frequency below the threshold expected for the associated phenotype(s). This variant has been observed in one or more individuals affected with the associated recessive disease, as either homozygous or compound heterozygous with a second variant (PMID: 37628579, 27522502). Given the available evidence, this variant is classified as Pathogenic.

Literature cited by the submitters: PubMed 37628579; PubMed 27522502.